The following is an entry in ClinVar:

ClinVar aggregate classification (germline): Uncertain significance. Review status: criteria provided, multiple submitters, no conflicts (2 of 4 stars). 2 submissions from 2 submitters: Uncertain significance (2). Last evaluated 2025-02-19.

Conditions:
Acute myeloid leukemia (AML). Also called: Leukemia, acute myeloid, somatic; Leukemia, acute myelogenous, somatic; Acute myeloid leukemia, adult; AML adult; Acute non-lymphocytic leukemia; Acute granulocytic leukemia. Identifiers: Orphanet 519, MedGen C0023467, MeSH D015470, MONDO:0018874, OMIM 601626, HP:0004808. Disease mechanism: Constitutively activated FLT3.
Inborn genetic diseases. Identifiers: MedGen C0950123, MeSH D030342.

Allele frequency attached by ClinVar (database versions not stated): gnomAD exomes below 0.00001.

Submissions (2):

Ambry Genetics
Classification: Uncertain significance for Inborn genetic diseases. Last evaluated: 2025-02-19. Review status: criteria provided, single submitter. Criteria: Ambry Variant Classification Scheme 2023. Collection method: clinical testing. Allele origin: germline.
Comment: The p.P70T variant (also known as c.208C>A), located in coding exon 1 of the CEBPA gene, results from a C to A substitution at nucleotide position 208. The proline at codon 70 is replaced by threonine, an amino acid with highly similar properties. This amino acid position is conserved. In addition, this alteration is predicted to be tolerated by in silico analysis. Based on the available evidence, the clinical significance of this variant remains unclear.

Labcorp Genetics (formerly Invitae), Labcorp
Classification: Uncertain significance for Acute myeloid leukemia. Last evaluated: 2022-10-27. Review status: criteria provided, single submitter. Criteria: Invitae Variant Classification Sherloc (09022015). Collection method: clinical testing. Allele origin: germline.
Comment: Advanced modeling of protein sequence and biophysical properties (such as structural, functional, and spatial information, amino acid conservation, physicochemical variation, residue mobility, and thermodynamic stability) performed at Invitae indicates that this missense variant is not expected to disrupt CEBPA protein function. ClinVar contains an entry for this variant (Variation ID: 1439602). This variant has not been reported in the literature in individuals affected with CEBPA-related conditions. This variant is not present in population databases (gnomAD no frequency). This sequence change replaces proline, which is neutral and non-polar, with threonine, which is neutral and polar, at codon 70 of the CEBPA protein (p.Pro70Thr). In summary, the available evidence is currently insufficient to determine the role of this variant in disease. Therefore, it has been classified as a Variant of Uncertain Significance.

NM_004364.5(CEBPA):c.208C>A (p.Pro70Thr)

Gene: CEBPA (CCAAT enhancer binding protein alpha; minus strand). Cytogenetic location: 19q13.11.
Variant type: single nucleotide variant.
Coding change: c.208C>A on transcript NM_004364.5 (MANE Select); coding-DNA position 208, C replaced by A.
Protein change: p.Pro70Thr; replaces proline 70 with threonine.
Molecular consequence: missense variant. On other transcripts: 5 prime UTR variant (1).
Genome position (GRCh38, 1-based): chr19:33,302,207, G>T on the plus strand (C>A on the coding strand, the complement: CEBPA is on the minus strand). VCF-style: chr19-33302207-G-T. GRCh37 (hg19) VCF-style: chr19-33793113-G-T.
Other names: c.-150C>A (NM_001285829.2); c.313C>A, p.Pro105Thr (NM_001287424.2); c.166C>A, p.Pro56Thr (NM_001287435.2); c.208C>A (NM_004364.3); short protein forms P105T, P56T, P70T.
Identifiers: ClinVar variation 1439602 (VCV001439602.9), dbSNP rs2145263768, ClinGen allele CA405275445.